The following is an entry in ClinVar:

ClinVar aggregate classification (germline): Likely benign. Review status: criteria provided, multiple submitters, no conflicts (2 of 4 stars). 2 submissions from 2 submitters: Likely benign (2). Last evaluated 2023-06-10.

Conditions:
Ellis-van Creveld syndrome (EVC). Also called: EVC-Related Ellis-van Creveld Syndrome; EVC2-Related Ellis-van Creveld Syndrome; Chondroectodermal dysplasia; MESOECTODERMAL DYSPLASIA. Identifiers: Orphanet 289, MedGen C0013903, MONDO:0009162, OMIM 225500.
Curry-Hall syndrome (WAD). Also called: WEYERS ACRODENTAL DYSOSTOSIS. Identifiers: Orphanet 952, MedGen C0457013, MONDO:0008673, OMIM 193530.

Allele frequency attached by ClinVar (database versions not stated): gnomAD exomes 0.00001; gnomAD 0.00002 and 0.00003; TOPMed 0.00002.
gnomAD v4.1: 10 of 1,614,008 alleles (0.00062%); highest among the groups gnomAD compares: African/African-American, 0.004%; no homozygotes.

Submissions (2):

Labcorp Genetics (formerly Invitae), Labcorp
Classification: Likely benign for Curry-Hall syndrome; Ellis-van Creveld syndrome. Last evaluated: 2023-06-10. Review status: criteria provided, single submitter. Criteria: Invitae Variant Classification Sherloc (09022015). Collection method: clinical testing. Allele origin: germline.

GeneDx
Classification: Likely benign. Last evaluated: 2018-05-10. Review status: criteria provided, single submitter. Criteria: GeneDx Variant Classification (06012015). Collection method: clinical testing. Allele origin: germline. Affected: yes.
Comment: This variant is considered likely benign or benign based on one or more of the following criteria: it is a conservative change, it occurs at a poorly conserved position in the protein, it is predicted to be benign by multiple in silico algorithms, and/or has population frequency not consistent with disease.

NM_153717.3(EVC):c.2457G>A (p.Arg819=)

Gene: EVC (EvC ciliary complex subunit 1; plus strand). Cytogenetic location: 4p16.2.
Variant type: single nucleotide variant.
Coding change: c.2457G>A on transcript NM_153717.3 (MANE Select); coding-DNA position 2457, G replaced by A.
Protein change: p.Arg819=; no amino-acid change (arginine 819 retained).
Molecular consequence: synonymous variant.
Genome position (GRCh38, 1-based): chr4:5,804,737, G>A. VCF-style: chr4-5804737-G-A. GRCh37 (hg19) VCF-style: chr4-5806464-G-A.
Other names: c.2457G>A, p.Arg819= (NM_001306090.2).
Identifiers: ClinVar variation 668337 (VCV000668337.10), dbSNP rs1243308266, ClinGen allele CA438205328.